The following is an entry in ClinVar:

NM_001184.4(ATR):c.1261A>G (p.Ser421Gly)

Gene: ATR (ATR checkpoint kinase; minus strand). Cytogenetic location: 3q23.
Variant type: single nucleotide variant.
Coding change: c.1261A>G on transcript NM_001184.4 (MANE Select); coding-DNA position 1261, A replaced by G.
Protein change: p.Ser421Gly; replaces serine 421 with glycine.
Molecular consequence: missense variant.
Genome position (GRCh38, 1-based): chr3:142,561,331, T>C on the plus strand (A>G on the coding strand, the complement: ATR is on the minus strand). VCF-style: chr3-142561331-T-C. GRCh37 (hg19) VCF-style: chr3-142280173-T-C.
Other names: c.1261A>G, p.Ser421Gly (NM_001354579.2); c.1261A>G (NM_001184.3); short protein forms S421G.
Identifiers: ClinVar variation 1686492 (VCV001686492.4), dbSNP rs372973014, ClinGen allele CA84754741.

ClinVar aggregate classification (germline): Uncertain significance. Review status: criteria provided, multiple submitters, no conflicts (2 of 4 stars). 3 submissions from 3 submitters: Uncertain significance (3). Last evaluated 2025-01-17.

Conditions:
Inborn genetic diseases. Identifiers: MedGen C0950123, MeSH D030342.

Allele frequency attached by ClinVar (database versions not stated): gnomAD exomes 0.00001; TOPMed 0.00004; gnomAD 0.00005; ESP Exome Variant Server 0.00015.
gnomAD v4.1: 19 of 1,613,986 alleles (0.0012%); highest among the groups gnomAD compares: African/African-American, 0.015%; no homozygotes.

Submissions (3):

Labcorp Genetics (formerly Invitae), Labcorp
Classification: Uncertain significance. Last evaluated: 2025-01-17. Review status: criteria provided, single submitter. Criteria: Invitae Variant Classification Sherloc (09022015). Collection method: clinical testing. Allele origin: germline.
Comment: This sequence change replaces serine, which is neutral and polar, with glycine, which is neutral and non-polar, at codon 421 of the ATR protein (p.Ser421Gly). This variant is not present in population databases (gnomAD no frequency). This variant has not been reported in the literature in individuals affected with ATR-related conditions. ClinVar contains an entry for this variant (Variation ID: 1686492). An algorithm developed to predict the effect of missense changes on protein structure and function outputs the following: PolyPhen-2: "Benign". The glycine amino acid residue is found in multiple mammalian species, which suggests that this missense change does not adversely affect protein function. In summary, the available evidence is currently insufficient to determine the role of this variant in disease. Therefore, it has been classified as a Variant of Uncertain Significance.

Ambry Genetics
Classification: Uncertain significance for Inborn genetic diseases. Last evaluated: 2024-01-16. Review status: criteria provided, single submitter. Criteria: Ambry Variant Classification Scheme 2023. Collection method: clinical testing. Allele origin: germline.

Mendelics
Classification: Uncertain significance. Last evaluated: 2022-05-04. Review status: criteria provided, single submitter. Criteria: Mendelics Assertion Criteria 2019. Collection method: clinical testing. Allele origin: germline.